The following is an entry in ClinVar:

NM_022132.5(MCCC2):c.1574+5G>T

Gene: MCCC2 (methylcrotonyl-CoA carboxylase subunit 2; plus strand). Cytogenetic location: 5q13.2.
Variant type: single nucleotide variant.
Coding change: c.1574+5G>T on transcript NM_022132.5 (MANE Select); 5 bases into the intron after coding-DNA position 1574, G replaced by T.
Molecular consequence: intron variant.
Genome position (GRCh38, 1-based): chr5:71,652,759, G>T. VCF-style: chr5-71652759-G-T. GRCh37 (hg19) VCF-style: chr5-70948586-G-T.
Other names: c.1460+5G>T (NM_001363147.1).
Identifiers: ClinVar variation 991039 (VCV000991039.7), dbSNP rs781483923, ClinGen allele CA3298199.

ClinVar aggregate classification (germline): Uncertain significance. Review status: criteria provided, multiple submitters, no conflicts (2 of 4 stars). 3 submissions from 3 submitters: Uncertain significance (2). 1 of the submissions does not count toward it. Last evaluated 2026-01-19.

Conditions:
Methylcrotonyl-CoA carboxylase deficiency. Also called: 3 Methylcrotonylglycinuria; 3-MCC Deficiency; Deficiency of methylcrotonoyl-CoA carboxylase. Identifiers: Orphanet 6, MedGen C4551505, MONDO:0018950.
3-methylcrotonyl-CoA carboxylase 2 deficiency. Also called: 3 alpha methylcrotonyl-CoA carboxylase 2 deficiency; 3 alpha methylcrotonylglycinuria 2; MCC 2 deficiency; Methylcrotonylglycinuria type 2; METHYLCROTONYLGLYCINURIA, TYPE II. Identifiers: Orphanet 6, MedGen C1859499, MONDO:0008862, OMIM 210210.

Allele frequency attached by ClinVar (database versions not stated): TOPMed 0.00005.
gnomAD v4.1: 16 of 1,613,200 alleles (0.00099%); highest among the groups gnomAD compares: Admixed American, 0.027%; no homozygotes.

Submissions (3):

Labcorp Genetics (formerly Invitae), Labcorp
Classification: Uncertain significance for 3-methylcrotonyl-CoA carboxylase 2 deficiency. Last evaluated: 2026-01-19. Review status: criteria provided, single submitter. Criteria: Invitae Variant Classification Sherloc (09022015). Collection method: clinical testing. Allele origin: germline.
Comment: This sequence change falls in intron 16 of the MCCC2 gene. It does not directly change the encoded amino acid sequence of the MCCC2 protein. It affects a nucleotide within the consensus splice site. This variant is present in population databases (rs781483923, gnomAD 0.03%). This variant has not been reported in the literature in individuals affected with MCCC2-related conditions. ClinVar contains an entry for this variant (Variation ID: 991039). Variants that disrupt the consensus splice site are a relatively common cause of aberrant splicing (PMID: 17576681, 9536098). Algorithms developed to predict the effect of sequence changes on RNA splicing suggest that this variant may disrupt the consensus splice site. In summary, the available evidence is currently insufficient to determine the role of this variant in disease. Therefore, it has been classified as a Variant of Uncertain Significance.

Women's Health and Genetics/Laboratory Corporation of America, LabCorp
Classification: Uncertain significance. Last evaluated: 2025-01-19. Review status: criteria provided, single submitter. Criteria: LabCorp Variant Classification Summary - May 2015. Collection method: clinical testing. Allele origin: germline.

Natera, Inc.
Classification: Uncertain significance for 3-methylcrotonylglycinuria. Last evaluated: 2020-09-14. Review status: no assertion criteria provided. Collection method: clinical testing. Allele origin: germline. Not counted in ClinVar's aggregate classification.

Literature cited by the submitters: PubMed 17576681 (cited by Labcorp Genetics (formerly Invitae), Labcorp); PubMed 9536098 (cited by Labcorp Genetics (formerly Invitae), Labcorp).